The following is an entry in ClinVar:

ClinVar aggregate classification (germline): Uncertain significance (1 of 4 stars; one submission).

Submission:

Labcorp Genetics (formerly Invitae), Labcorp
Classification: Uncertain significance. Last evaluated: 2022-06-03. Review status: criteria provided, single submitter. Criteria: Invitae Variant Classification Sherloc (09022015). Collection method: clinical testing. Allele origin: germline.
Comment: This sequence change replaces alanine, which is neutral and non-polar, with valine, which is neutral and non-polar, at codon 636 of the PDZD7 protein (p.Ala636Val). This variant is not present in population databases (gnomAD no frequency). This variant has not been reported in the literature in individuals affected with PDZD7-related conditions. ClinVar contains an entry for this variant (Variation ID: 1496605). Algorithms developed to predict the effect of missense changes on protein structure and function are either unavailable or do not agree on the potential impact of this missense change (SIFT: "Deleterious"; PolyPhen-2: "Not Available"; Align-GVGD: "Class C0"). Algorithms developed to predict the effect of sequence changes on RNA splicing suggest that this variant may create or strengthen a splice site. In summary, the available evidence is currently insufficient to determine the role of this variant in disease. Therefore, it has been classified as a Variant of Uncertain Significance.

NM_001195263.2(PDZD7):c.1907C>T (p.Ala636Val)

Gene: PDZD7 (PDZ domain containing 7; minus strand). Cytogenetic location: 10q24.31.
Variant type: single nucleotide variant.
Coding change: c.1907C>T on transcript NM_001195263.2 (MANE Select); coding-DNA position 1907, C replaced by T.
Protein change: p.Ala636Val; replaces alanine 636 with valine.
Molecular consequence: missense variant.
Genome position (GRCh38, 1-based): chr10:101,011,951, G>A on the plus strand (C>T on the coding strand, the complement: PDZD7 is on the minus strand). VCF-style: chr10-101011951-G-A. GRCh37 (hg19) VCF-style: chr10-102771708-G-A.
Other names: short protein forms A636V.
Identifiers: ClinVar variation 1496605 (VCV001496605.8), dbSNP rs2134004216, ClinGen allele CA378226206.